The following is an entry in ClinVar:

NM_000431.4(MVK):c.155G>A (p.Ser52Asn)

Gene: MVK (mevalonate kinase; plus strand). Cytogenetic location: 12q24.11.
Variant type: single nucleotide variant.
Coding change: c.155G>A on transcript NM_000431.4 (MANE Select); coding-DNA position 155, G replaced by A.
Protein change: p.Ser52Asn; replaces serine 52 with asparagine.
Molecular consequence: missense variant.
Genome position (GRCh38, 1-based): chr12:109,576,074, G>A. VCF-style: chr12-109576074-G-A. GRCh37 (hg19) VCF-style: chr12-110013879-G-A.
Other names: c.155G>A, p.Ser52Asn (NM_001114185.3, NM_001301182.2); short protein forms S52N.
Identifiers: ClinVar variation 129638 (VCV000129638.47), dbSNP rs7957619, ClinGen allele CA153751.
Genomic context (GRCh38, chr12:109,576,074, plus strand): 5'-CCTTGAACTTGAGAACATTCCTCCGGCTTCAACCCCACAGCAATGGGAAAGTGGACCTCA[G>A]CTTACCCAACATTGGTATCAAGCGGGCCTGGGATGTGGCCAGGCTTCAGTCACTGGACAC-3'
Protein context (NP_000422.1, residues 42-62): QPHSNGKVDL[Ser52Asn]LPNIGIKRAW

ClinVar aggregate classification (germline): Benign/Likely benign. Review status: criteria provided, multiple submitters, no conflicts (2 of 4 stars). 13 submissions from 13 submitters: Benign (7); Likely benign (3). 3 of the submissions do not count toward it. Last evaluated 2026-02-04.

Conditions:
Autoinflammatory syndrome. Identifiers: Orphanet 93665, MedGen C3890737, MONDO:0019751.
Mevalonic aciduria (MEVA). Identifiers: Orphanet 29, MedGen C1959626, MONDO:0012481, OMIM 610377.
Porokeratosis 3, disseminated superficial actinic type (POROK3). Also called: POROKERATOSIS, DISSEMINATED SUPERFICIAL ACTINIC, 1; POROKERATOSIS 3, MULTIPLE TYPES; POROKERATOSIS 3, MIBELLI TYPE. Identifiers: MedGen C1867981, MONDO:0008293, OMIM 175900.
Hyperimmunoglobulin D with periodic fever (HIDS). Also called: HYPERIMMUNOGLOBULINEMIA D AND PERIODIC FEVER SYNDROME; Hyperimmunoglobulinemia D with periodic fever; Hyperimmunoglobulinemia D. Identifiers: Orphanet 343, MedGen C0398691, MONDO:0009849, OMIM 260920.

Allele frequency attached by ClinVar (database versions not stated): 1000 Genomes Project 0.07588; 1000 Genomes Project 30x 0.07667; gnomAD exomes 0.10076 and 0.11067; ExAC 0.10167; TOPMed 0.10611; gnomAD 0.10996 and 0.11415; ESP Exome Variant Server 0.11618.
gnomAD v4.1: 178,554 of 1,614,064 alleles (11%); highest among the groups gnomAD compares: Middle Eastern, 13%; 11,153 homozygotes.

Submissions (13):

Labcorp Genetics (formerly Invitae), Labcorp
Classification: Benign for Mevalonic aciduria; Hyperimmunoglobulin D with periodic fever; Porokeratosis 3, disseminated superficial actinic type. Last evaluated: 2026-02-04. Review status: criteria provided, single submitter. Criteria: Invitae Variant Classification Sherloc (09022015). Collection method: clinical testing. Allele origin: germline.

Women's Health and Genetics/Laboratory Corporation of America, LabCorp
Classification: Likely benign. Last evaluated: 2025-12-26. Review status: criteria provided, single submitter. Criteria: LabCorp Variant Classification Summary - May 2015. Collection method: clinical testing. Allele origin: germline.

ARUP Laboratories, Molecular Genetics and Genomics, ARUP Laboratories
Classification: Benign. Last evaluated: 2025-07-23. Review status: criteria provided, single submitter. Criteria: ARUP Molecular Germline Variant Investigation Process 2024. Collection method: clinical testing. Allele origin: germline.

Blueprint Genetics
Classification: Likely benign. Last evaluated: 2024-11-27. Review status: criteria provided, single submitter. Criteria: ACMG Guidelines, 2015. Collection method: clinical testing. Allele origin: germline.

Mayo Clinic Laboratories, Mayo Clinic
Classification: Benign. Last evaluated: 2024-10-31. Review status: criteria provided, single submitter. Criteria: ACMG Guidelines, 2015. Collection method: clinical testing. Allele origin: germline. Observed: 452 variant alleles.
Comment: BA1

Genome Diagnostics Laboratory, The Hospital for Sick Children
Classification: Benign for Autoinflammatory syndrome. Last evaluated: 2016-12-12. Review status: criteria provided, single submitter. Criteria: ACMG Guidelines, 2015. Collection method: clinical testing. Allele origin: germline. Affected: yes.

Laboratory for Molecular Medicine, Mass General Brigham Personalized Medicine
Classification: Benign. Last evaluated: 2016-03-28. Review status: criteria provided, single submitter. Criteria: LMM Criteria. Collection method: clinical testing. Allele origin: germline.
Comment: Variant identified in a genome or exome case(s) and assessed due to predicted null impact of the variant or pathogenic assertions in the literature or databases. Disclaimer: This variant has not undergone full assessment. The following are preliminary notes: Frequency

GeneDx
Classification: Benign. Last evaluated: 2015-03-03. Review status: criteria provided, single submitter. Criteria: GeneDx Variant Classification Process June 2021. Collection method: clinical testing. Allele origin: germline. Affected: yes.
Comment: This variant is associated with the following publications: (PMID: 32238606)

Breakthrough Genomics
Classification: Likely benign. Review status: criteria provided, single submitter. Criteria: ACMG Guidelines, 2015. Collection method: not provided. Allele origin: germline. Inheritance: Autosomal recessive inheritance. Affected: yes.

PreventionGenetics, part of Exact Sciences
Classification: Benign. Review status: criteria provided, single submitter. Criteria: ACMG Guidelines, 2015. Collection method: clinical testing. Allele origin: germline.

Genetic Services Laboratory, University of Chicago
Classification: Likely benign for AllHighlyPenetrant. Review status: no assertion criteria provided. Collection method: clinical testing. Allele origin: germline. Not counted in ClinVar's aggregate classification.
Comment: Likely benign based on allele frequency in 1000 Genomes Project or ESP global frequency and its presence in a patient with a rare or unrelated disease phenotype. NOT Sanger confirmed.

Genome Diagnostics Laboratory, University Medical Center Utrecht
Classification: Benign. Review status: no assertion criteria provided. Collection method: clinical testing. Allele origin: germline. Affected: yes. Study: VKGL Data-share Consensus. Not counted in ClinVar's aggregate classification.

Joint Genome Diagnostic Labs from Nijmegen and Maastricht, Radboudumc and MUMC+
Classification: Benign. Review status: no assertion criteria provided. Collection method: clinical testing. Allele origin: germline. Affected: yes. Study: VKGL Data-share Consensus. Not counted in ClinVar's aggregate classification.